The following is an entry in ClinVar:

ClinVar aggregate classification (germline): Uncertain significance. Review status: criteria provided, multiple submitters, no conflicts (2 of 4 stars). 2 submissions from 2 submitters: Uncertain significance (2). Last evaluated 2024-11-27.

Conditions:
MBD5-related disorder. Also called: MBD5-related condition.
Intellectual developmental disorder, autosomal dominant 1. Also called: Intellectual disability, autosomal dominant 1; MBD5 Haploinsufficiency. Identifiers: Orphanet 228402, MedGen C1969562, MONDO:0007974, OMIM 156200.

Submissions (2):

PreventionGenetics, part of Exact Sciences
Classification: Uncertain significance for MBD5-related condition. Last evaluated: 2024-11-27. Review status: criteria provided, single submitter. Criteria: ACMG Guidelines, 2015. Collection method: clinical testing. Allele origin: germline.
Comment: The MBD5 c.3071A>T variant is predicted to result in the amino acid substitution p.Asp1024Val. To our knowledge, this variant has not been reported in the literature or in a large population database (gnomAD), indicating this variant is rare. At this time, the clinical significance of this variant is uncertain due to the absence of conclusive functional and genetic evidence.

Labcorp Genetics (formerly Invitae), Labcorp
Classification: Uncertain significance for Intellectual developmental disorder, autosomal dominant 1. Last evaluated: 2022-07-22. Review status: criteria provided, single submitter. Criteria: Invitae Variant Classification Sherloc (09022015). Collection method: clinical testing. Allele origin: germline.
Comment: In summary, the available evidence is currently insufficient to determine the role of this variant in disease. Therefore, it has been classified as a Variant of Uncertain Significance. This sequence change replaces aspartic acid, which is acidic and polar, with valine, which is neutral and non-polar, at codon 1024 of the MBD5 protein (p.Asp1024Val). This variant is not present in population databases (gnomAD no frequency). This variant has not been reported in the literature in individuals affected with MBD5-related conditions. ClinVar contains an entry for this variant (Variation ID: 1027203). Algorithms developed to predict the effect of missense changes on protein structure and function are either unavailable or do not agree on the potential impact of this missense change (SIFT: "Deleterious"; PolyPhen-2: "Not Available"; Align-GVGD: "Class C65").

NM_001378120.1(MBD5):c.3770A>T (p.Asp1257Val)

Gene: MBD5 (methyl-CpG binding domain protein 5; plus strand). Cytogenetic location: 2q23.1.
Variant type: single nucleotide variant.
Coding change: c.3770A>T on transcript NM_001378120.1 (MANE Select); coding-DNA position 3770, A replaced by T.
Protein change: p.Asp1257Val; replaces aspartic acid 1257 with valine.
Molecular consequence: missense variant.
Genome position (GRCh38, 1-based): chr2:148,489,402, A>T. VCF-style: chr2-148489402-A-T. GRCh37 (hg19) VCF-style: chr2-149246971-A-T.
Other names: c.3071A>T (NM_018328.4); c.3071A>T, p.Asp1024Val (NM_018328.5); short protein forms D1024V, D1257V.
Identifiers: ClinVar variation 1027203 (VCV001027203.12), dbSNP rs1681443164, ClinGen allele CA348724887.